The following is an entry in ClinVar:

ClinVar aggregate classification (germline): Uncertain significance (1 of 4 stars; one submission).

Submission:

CeGaT Center for Human Genetics Tuebingen
Classification: Uncertain significance. Last evaluated: 2023-04-01. Review status: criteria provided, single submitter. Criteria: CeGaT Center For Human Genetics Tuebingen Variant Classification Criteria Version 2. Collection method: clinical testing. Allele origin: germline. Affected: yes. Observed: 1 variant allele.
Comment: CCDC88C: PM2

NM_001080414.4(CCDC88C):c.458C>A (p.Ala153Asp)

Gene: CCDC88C (coiled-coil and HOOK domain protein 88C; minus strand). Cytogenetic location: 14q32.11.
Variant type: single nucleotide variant.
Coding change: c.458C>A on transcript NM_001080414.4 (MANE Select); coding-DNA position 458, C replaced by A.
Protein change: p.Ala153Asp; replaces alanine 153 with aspartic acid.
Molecular consequence: missense variant.
Genome position (GRCh38, 1-based): chr14:91,342,405, G>T on the plus strand (C>A on the coding strand, the complement: CCDC88C is on the minus strand). VCF-style: chr14-91342405-G-T. GRCh37 (hg19) VCF-style: chr14-91808749-G-T.
Other names: short protein forms A153D.
Identifiers: ClinVar variation 2570888 (VCV002570888.27), dbSNP rs978422538, ClinGen allele CA390614073.